The following is an entry in ClinVar:

ClinVar aggregate classification (germline): Likely benign (0 of 4 stars; one submission).

Conditions:
APC-related disorder. Also called: APC-related condition.

Allele frequency attached by ClinVar (database versions not stated): TOPMed 0.00001.

Submission:

PreventionGenetics, part of Exact Sciences
Classification: Likely benign for APC-related condition. Last evaluated: 2022-05-10. Review status: no assertion criteria provided. Collection method: clinical testing. Allele origin: germline.
Comment: This variant is classified as likely benign based on ACMG/AMP sequence variant interpretation guidelines (Richards et al. 2015 PMID: 25741868, with internal and published modifications).

NM_001127511.3(APC):c.166-28563del

Gene: APC (APC regulator of Wnt signaling pathway; plus strand). Cytogenetic location: 5q22.2.
Variant type: Deletion.
Coding change: c.166-28563del on transcript NM_001127511.3; 28563 bases into the intron before coding-DNA position 166, one base deleted (C; older notation c.166-28563delC).
Molecular consequence: intron variant.
Genome position (GRCh38, 1-based): chr5:112,737,763, C deleted. VCF-style (leftmost placement, unchanged base first): chr5-112737762-GC-G. GRCh37 (hg19) VCF-style: chr5-112073459-GC-G.
Other names: c.-1053-17110del (NM_001407470.1, NM_001407472.1); c.-18-17110del (NM_001407447.1, NM_001354895.2, NM_001407456.1 and 7 more transcripts); c.166-28563del (NM_001407446.1, NM_001354897.2, NM_001354902.2); c.-42-28563del (NM_001407453.1).
Identifiers: ClinVar variation 3050392 (VCV003050392.2), dbSNP rs1438389320, ClinGen allele CA561895941.
Genomic context (GRCh38, chr5:112,737,762, plus strand): 5'-GGTTGGGCGGGGCCCTGTGCCCCACTGCGGAGTGCGGGTCGGGAAGCGGAGAGAGAAGCA[GC>G]TGTGTAATCCGCTGGATGCGGACCAGGGCGCTCCCCATTCCCGTCGGGAGCCCGCCGATT-3'